The following is an entry in ClinVar:

ClinVar aggregate classification (germline): Pathogenic (1 of 4 stars; one submission).

Submission:

Labcorp Genetics (formerly Invitae), Labcorp
Classification: Pathogenic. Last evaluated: 2022-06-30. Review status: criteria provided, single submitter. Criteria: Invitae Variant Classification Sherloc (09022015). Collection method: clinical testing. Allele origin: germline.
Comment: This sequence change creates a premature translational stop signal (p.Tyr203*) in the KLF1 gene. It is expected to result in an absent or disrupted protein product. Loss-of-function variants in KLF1 are known to be pathogenic (PMID: 24443441, 25724378). This variant is not present in population databases (gnomAD no frequency). This variant has not been reported in the literature in individuals affected with KLF1-related conditions. For these reasons, this variant has been classified as Pathogenic.

Literature cited by the submitters: PubMed 24443441; PubMed 25724378.

NM_006563.5(KLF1):c.609C>A (p.Tyr203Ter)

Gene: KLF1 (KLF transcription factor 1; minus strand). Cytogenetic location: 19p13.13.
Variant type: single nucleotide variant.
Coding change: c.609C>A on transcript NM_006563.5 (MANE Select); coding-DNA position 609, C replaced by A.
Protein change: p.Tyr203Ter; replaces tyrosine 203 with a stop codon.
Molecular consequence: nonsense.
Genome position (GRCh38, 1-based): chr19:12,885,621, G>T on the plus strand (C>A on the coding strand, the complement: KLF1 is on the minus strand). VCF-style: chr19-12885621-G-T. GRCh37 (hg19) VCF-style: chr19-12996435-G-T.
Other names: short protein forms Y203*.
Identifiers: ClinVar variation 2045154 (VCV002045154.1), dbSNP rs2512555640, ClinGen allele CA404308597.